The following is an entry in ClinVar:

NM_001768.7(CD8A):c.241G>C (p.Ala81Pro)

Gene: CD8A (CD8 subunit alpha; minus strand). Cytogenetic location: 2p11.2.
Variant type: single nucleotide variant.
Coding change: c.241G>C on transcript NM_001768.7 (MANE Select); coding-DNA position 241, G replaced by C.
Protein change: p.Ala81Pro; replaces alanine 81 with proline.
Molecular consequence: missense variant. On other transcripts: non-coding transcript variant (3).
Genome position (GRCh38, 1-based): chr2:86,790,490, C>G on the plus strand (G>C on the coding strand, the complement: CD8A is on the minus strand). VCF-style: chr2-86790490-C-G. GRCh37 (hg19) VCF-style: chr2-87017613-C-G.
Other names: c.241G>C, p.Ala81Pro (NM_001145873.1, NM_001382698.1, NM_171827.4); short protein forms A81P.
Identifiers: ClinVar variation 3006920 (VCV003006920.3), dbSNP rs970275394, ClinGen allele CA347577030.

ClinVar aggregate classification (germline): Uncertain significance (1 of 4 stars; one submission).

Conditions:
Susceptibility to respiratory infections associated with CD8alpha chain mutation (IMD116). Also called: Cd8 deficiency, familial; IMMUNODEFICIENCY 116. Identifiers: Orphanet 169085, MedGen C1837065, MONDO:0012161, OMIM 608957.

Allele frequency attached by ClinVar (database versions not stated): TOPMed below 0.00001.
gnomAD v4.1: 5 of 1,614,162 alleles (0.00031%); highest among the groups gnomAD compares: Non-Finnish European, 0.00042%; no homozygotes.

Submission:

Labcorp Genetics (formerly Invitae), Labcorp
Classification: Uncertain significance for Susceptibility to respiratory infections associated with CD8alpha chain mutation. Last evaluated: 2023-10-05. Review status: criteria provided, single submitter. Criteria: Invitae Variant Classification Sherloc (09022015). Collection method: clinical testing. Allele origin: germline.
Comment: This sequence change replaces alanine, which is neutral and non-polar, with proline, which is neutral and non-polar, at codon 81 of the CD8A protein (p.Ala81Pro). This variant is not present in population databases (gnomAD no frequency). This variant has not been reported in the literature in individuals affected with CD8A-related conditions. An algorithm developed to predict the effect of missense changes on protein structure and function (PolyPhen-2) suggests that this variant is likely to be disruptive. In summary, the available evidence is currently insufficient to determine the role of this variant in disease. Therefore, it has been classified as a Variant of Uncertain Significance.